The following is an entry in ClinVar:

NM_177438.3(DICER1):c.3261G>A (p.Ala1087=)

Gene: DICER1 (dicer 1, ribonuclease III; minus strand). Cytogenetic location: 14q32.13.
Variant type: single nucleotide variant.
Coding change: c.3261G>A on transcript NM_177438.3 (MANE Select); coding-DNA position 3261, G replaced by A.
Protein change: p.Ala1087=; no amino-acid change (alanine 1087 retained).
Molecular consequence: synonymous variant.
Genome position (GRCh38, 1-based): chr14:95,105,079, C>T on the plus strand (G>A on the coding strand, the complement: DICER1 is on the minus strand). VCF-style: chr14-95105079-C-T. GRCh37 (hg19) VCF-style: chr14-95571416-C-T.
Other names: c.3261G>A, p.Ala1087= (NM_001195573.1, NM_001271282.3, NM_001291628.2 and 1 more transcripts).
Identifiers: ClinVar variation 242081 (VCV000242081.61), dbSNP rs369869162, ClinGen allele CA7331078.

ClinVar aggregate classification (germline): Benign/Likely benign. Review status: criteria provided, multiple submitters, no conflicts (2 of 4 stars). 14 submissions from 14 submitters: Benign (3); Likely benign (9). 2 of the submissions do not count toward it. Last evaluated 2026-06-01.

Conditions:
DICER1-related disorder. Also called: DICER1-related condition.
DICER1-related tumor predisposition. Also called: DICER1 syndrome; DICER1-related pleuropulmonary blastoma cancer predisposition syndrome. Identifiers: Orphanet 284343, MedGen C3839822, MONDO:0100216.
Hereditary cancer-predisposing syndrome. Also called: Tumor predisposition; Hereditary Cancer Syndrome; Neoplastic Syndromes, Hereditary; Hereditary neoplastic syndrome. Identifiers: Orphanet 140162, MedGen C0027672, MeSH D009386, MONDO:0015356.

Allele frequency attached by ClinVar (database versions not stated): TOPMed 0.00015; gnomAD 0.00016 and 0.00017; ExAC 0.00017; gnomAD exomes 0.00017 and 0.00018; ESP Exome Variant Server 0.00031.
gnomAD v4.1: 289 of 1,613,824 alleles (0.018%); highest among the groups gnomAD compares: Non-Finnish European, 0.023%; 2 homozygotes.

Submissions (14):

CeGaT Center for Human Genetics Tuebingen
Classification: Likely benign. Last evaluated: 2026-06-01. Review status: criteria provided, single submitter. Criteria: CeGaT Center For Human Genetics Tuebingen Variant Classification Criteria Version 2. Collection method: clinical testing. Allele origin: germline. Affected: yes. Observed: 9 variant alleles.
Comment: DICER1: BP4, BP7

Myriad Genetics, Inc.
Classification: Benign for DICER1-related tumor predisposition. Last evaluated: 2026-04-17. Review status: criteria provided, single submitter. Criteria: Myriad Autosomal Dominant, Autosomal Recessive and X-Linked Classification Criteria (2023). Collection method: clinical testing. Allele origin: unknown.
Comment: This variant is considered benign. This variant is a silent/synonymous amino acid change and it is not expected to impact splicing.

Labcorp Genetics (formerly Invitae), Labcorp
Classification: Benign for DICER1-related tumor predisposition. Last evaluated: 2026-02-02. Review status: criteria provided, single submitter. Criteria: Invitae Variant Classification Sherloc (09022015). Collection method: clinical testing. Allele origin: germline.

Center for Genomic Medicine, Rigshospitalet, Copenhagen University Hospital
Classification: Likely benign. Last evaluated: 2025-03-04. Review status: criteria provided, single submitter. Criteria: ACMG Guidelines, 2015. Collection method: clinical testing. Allele origin: germline.

Hereditary Cancer Group, L’Institut d'Investigació Biomèdica de Bellvitge
Classification: Likely benign for Hereditary cancer-predisposing syndrome. Last evaluated: 2024-12-19. Review status: criteria provided, single submitter. Criteria: Hatton et al. (Hum Mutat. 2023). Collection method: clinical testing. Allele origin: germline. Inheritance: Autosomal dominant inheritance. Affected: yes.
Comment: BS1, BP4, BP7

Blueprint Genetics
Classification: Likely benign. Last evaluated: 2024-10-09. Review status: criteria provided, single submitter. Criteria: ACMG Guidelines, 2015. Collection method: clinical testing. Allele origin: germline.

Quest Diagnostics Nichols Institute San Juan Capistrano
Classification: Likely benign. Last evaluated: 2022-04-25. Review status: criteria provided, single submitter. Criteria: Quest Diagnostics criteria. Collection method: clinical testing. Allele origin: unknown.

ARUP Laboratories, Molecular Genetics and Genomics, ARUP Laboratories
Classification: Likely benign. Last evaluated: 2021-12-01. Review status: criteria provided, single submitter. Criteria: ARUP Molecular Germline Variant Investigation Process 2021. Collection method: clinical testing. Allele origin: germline.

Sema4
Classification: Likely benign for Hereditary cancer-predisposing syndrome. Last evaluated: 2021-04-09. Review status: criteria provided, single submitter. Criteria: Sema4 Curation Guidelines. Collection method: curation. Allele origin: germline.

GeneDx
Classification: Likely benign. Last evaluated: 2020-12-07. Review status: criteria provided, single submitter. Criteria: GeneDx Variant Classification Process June 2021. Collection method: clinical testing. Allele origin: germline. Affected: yes.

Illumina Laboratory Services, Illumina
Classification: Benign for Pleuropulmonary blastoma. Last evaluated: 2018-01-13. Review status: criteria provided, single submitter. Criteria: ICSL Variant Classification Criteria 13 December 2019. Collection method: clinical testing. Allele origin: germline.
Comment: This variant was observed in the ICSL laboratory as part of a predisposition screen in an ostensibly healthy population. It had not been previously curated by ICSL or reported in the Human Gene Mutation Database (HGMD: prior to June 1st, 2018), and was therefore a candidate for classification through an automated scoring system. Utilizing variant allele frequency, disease prevalence and penetrance estimates, and inheritance mode, an automated score was calculated to assess if this variant is too frequent to cause the disease. Based on the score and internal cut-off values, a variant classified as benign is not then subjected to further curation. The score for this variant resulted in a classification of benign for this disease.

Ambry Genetics
Classification: Likely benign for Hereditary cancer-predisposing syndrome. Last evaluated: 2017-03-30. Review status: criteria provided, single submitter. Criteria: Ambry Variant Classification Scheme 2023. Collection method: clinical testing. Allele origin: germline.

Genetic Services Laboratory, University of Chicago
Classification: Likely benign. Last evaluated: 2022-12-13. Review status: no assertion criteria provided. Collection method: clinical testing. Allele origin: germline. Affected: no. Not counted in ClinVar's aggregate classification.

PreventionGenetics, part of Exact Sciences
Classification: Likely benign for DICER1-related condition. Last evaluated: 2019-11-05. Review status: no assertion criteria provided. Collection method: clinical testing. Allele origin: germline. Not counted in ClinVar's aggregate classification.
Comment: This variant is classified as likely benign based on ACMG/AMP sequence variant interpretation guidelines (Richards et al. 2015 PMID: 25741868, with internal and published modifications).